The following is an entry in ClinVar:

NM_001113378.2(FANCI):c.2543A>G (p.Gln848Arg)

Gene: FANCI (FA complementation group I; plus strand). Cytogenetic location: 15q26.1.
Variant type: single nucleotide variant.
Coding change: c.2543A>G on transcript NM_001113378.2 (MANE Select); coding-DNA position 2543, A replaced by G.
Protein change: p.Gln848Arg; replaces glutamine 848 with arginine.
Molecular consequence: missense variant. On other transcripts: intron variant (1).
Genome position (GRCh38, 1-based): chr15:89,295,001, A>G. VCF-style: chr15-89295001-A-G. GRCh37 (hg19) VCF-style: chr15-89838232-A-G.
Other names: c.2543A>G (NM_001113378.1); c.2264A>G, p.Gln755Arg (NM_001376910.1); c.2543A>G, p.Gln848Arg (NM_001376911.1); c.2456+1004A>G (NM_018193.3); short protein forms Q755R, Q848R.
Identifiers: ClinVar variation 1420835 (VCV001420835.7), dbSNP rs555904350, ClinGen allele CA7723405.

ClinVar aggregate classification (germline): Uncertain significance. Review status: criteria provided, multiple submitters, no conflicts (2 of 4 stars). 3 submissions from 3 submitters: Uncertain significance (3). Last evaluated 2025-01-30.

Conditions:
Inborn genetic diseases. Identifiers: MedGen C0950123, MeSH D030342.
Fanconi anemia (FA). Also called: Fanconi's anemia. Identifiers: Orphanet 84, MedGen C0015625, MeSH D005199, MONDO:0019391.
Fanconi anemia complementation group I (FANCI). Also called: FANCI-Related Fanconi Anemia. Identifiers: Orphanet 84, MedGen C1836861, MONDO:0012186, OMIM 609053.

Allele frequency attached by ClinVar (database versions not stated): gnomAD exomes 0.00004; ExAC 0.00008; gnomAD 0.00015 and 0.00016; TOPMed 0.00017; 1000 Genomes Project 0.00020; 1000 Genomes Project 30x 0.00031.
gnomAD v4.1: 37 of 1,552,324 alleles (0.0024%); highest among the groups gnomAD compares: African/African-American, 0.046%; no homozygotes.

Submissions (3):

Labcorp Genetics (formerly Invitae), Labcorp
Classification: Uncertain significance for Fanconi anemia. Last evaluated: 2025-01-30. Review status: criteria provided, single submitter. Criteria: Invitae Variant Classification Sherloc (09022015). Collection method: clinical testing. Allele origin: germline.
Comment: This sequence change replaces glutamine, which is neutral and polar, with arginine, which is basic and polar, at codon 848 of the FANCI protein (p.Gln848Arg). This variant is present in population databases (rs555904350, gnomAD 0.05%). This variant has not been reported in the literature in individuals affected with FANCI-related conditions. ClinVar contains an entry for this variant (Variation ID: 1420835). An algorithm developed to predict the effect of missense changes on protein structure and function outputs the following: PolyPhen-2: "Benign". The arginine amino acid residue is found in multiple mammalian species, which suggests that this missense change does not adversely affect protein function. In summary, the available evidence is currently insufficient to determine the role of this variant in disease. Therefore, it has been classified as a Variant of Uncertain Significance.

Fulgent Genetics
Classification: Uncertain significance for Fanconi anemia complementation group I. Last evaluated: 2024-04-01. Review status: criteria provided, single submitter. Criteria: ACMG Guidelines, 2015. Collection method: clinical testing. Allele origin: germline.

Ambry Genetics
Classification: Uncertain significance for Inborn genetic diseases. Last evaluated: 2024-01-30. Review status: criteria provided, single submitter. Criteria: Ambry Variant Classification Scheme 2023. Collection method: clinical testing. Allele origin: germline.